The following is an entry in ClinVar:

ClinVar aggregate classification (germline): Uncertain significance (1 of 4 stars; one submission).

Submission:

Labcorp Genetics (formerly Invitae), Labcorp
Classification: Uncertain significance. Last evaluated: 2022-08-16. Review status: criteria provided, single submitter. Criteria: Invitae Variant Classification Sherloc (09022015). Collection method: clinical testing. Allele origin: germline.
Comment: Algorithms developed to predict the effect of missense changes on protein structure and function are either unavailable or do not agree on the potential impact of this missense change (SIFT: "Not Available"; PolyPhen-2: "Benign"; Align-GVGD: "Not Available"). This variant has not been reported in the literature in individuals affected with TULP1-related conditions. This variant is not present in population databases (gnomAD no frequency). This sequence change replaces alanine, which is neutral and non-polar, with aspartic acid, which is acidic and polar, at codon 79 of the TULP1 protein (p.Ala79Asp). In summary, the available evidence is currently insufficient to determine the role of this variant in disease. Therefore, it has been classified as a Variant of Uncertain Significance.

NM_003322.6(TULP1):c.236C>A (p.Ala79Asp)

Gene: TULP1 (TUB like protein 1; minus strand). Cytogenetic location: 6p21.31.
Variant type: single nucleotide variant.
Coding change: c.236C>A on transcript NM_003322.6 (MANE Select); coding-DNA position 236, C replaced by A.
Protein change: p.Ala79Asp; replaces alanine 79 with aspartic acid.
Molecular consequence: missense variant. On other transcripts: intron variant (1).
Genome position (GRCh38, 1-based): chr6:35,511,761, G>T on the plus strand (C>A on the coding strand, the complement: TULP1 is on the minus strand). VCF-style: chr6-35511761-G-T. GRCh37 (hg19) VCF-style: chr6-35479538-G-T.
Other names: c.190+419C>A (NM_001289395.2); short protein forms A79D.
Identifiers: ClinVar variation 1966965 (VCV001966965.5), dbSNP rs2533809311, ClinGen allele CA363784643.